The following is an entry in ClinVar:

ClinVar aggregate classification (germline): Uncertain significance. Review status: criteria provided, multiple submitters, no conflicts (2 of 4 stars). 2 submissions from 2 submitters: Uncertain significance (2). Last evaluated 2024-07-22.

Allele frequency attached by ClinVar (database versions not stated): gnomAD exomes below 0.00001; ExAC 0.00001; gnomAD 0.00001.
gnomAD v4.1: 2 of 1,613,948 alleles (0.00012%); highest among the groups gnomAD compares: Non-Finnish European, 0.00017%; no homozygotes.

Submissions (2):

Mayo Clinic Laboratories, Mayo Clinic
Classification: Uncertain significance. Last evaluated: 2024-07-22. Review status: criteria provided, single submitter. Criteria: ACMG Guidelines, 2015. Collection method: clinical testing. Allele origin: germline. Observed: 1 variant allele.
Comment: PP3, PM2

Labcorp Genetics (formerly Invitae), Labcorp
Classification: Uncertain significance. Last evaluated: 2022-10-16. Review status: criteria provided, single submitter. Criteria: Invitae Variant Classification Sherloc (09022015). Collection method: clinical testing. Allele origin: germline.
Comment: This sequence change replaces glycine, which is neutral and non-polar, with glutamic acid, which is acidic and polar, at codon 25 of the UROD protein (p.Gly25Glu). This variant is present in population databases (rs764268015, gnomAD 0.0009%). This missense change has been observed in individual(s) with porphyria cutanea tarda (PMID: 11719352). Advanced modeling of protein sequence and biophysical properties (such as structural, functional, and spatial information, amino acid conservation, physicochemical variation, residue mobility, and thermodynamic stability) performed at Invitae indicates that this missense variant is expected to disrupt UROD protein function. Studies have shown that this missense change alters UROD gene expression (PMID: 11719352). In summary, the available evidence is currently insufficient to determine the role of this variant in disease. Therefore, it has been classified as a Variant of Uncertain Significance.

Literature cited by the submitters: PubMed 11719352 (cited by Mayo Clinic Laboratories, Mayo Clinic and Labcorp Genetics (formerly Invitae), Labcorp).

NM_000374.5(UROD):c.74G>A (p.Gly25Glu)

Gene: UROD (uroporphyrinogen decarboxylase; plus strand). Cytogenetic location: 1p34.1.
Variant type: single nucleotide variant.
Coding change: c.74G>A on transcript NM_000374.5 (MANE Select); coding-DNA position 74, G replaced by A.
Protein change: p.Gly25Glu; replaces glycine 25 with glutamic acid.
Molecular consequence: missense variant. On other transcripts: non-coding transcript variant (3).
Genome position (GRCh38, 1-based): chr1:45,012,960, G>A. VCF-style: chr1-45012960-G-A. GRCh37 (hg19) VCF-style: chr1-45478632-G-A.
Other names: p.Gly25Glu; short protein forms G25E.
Identifiers: ClinVar variation 2202749 (VCV002202749.5), dbSNP rs764268015, ClinGen allele CA825123.